The following is an entry in ClinVar:

ClinVar aggregate classification (germline): Conflicting classifications of pathogenicity. Review status: criteria provided, conflicting classifications (1 of 4 stars). 3 submissions from 3 submitters: Uncertain significance (2); Likely benign (1). Last evaluated 2023-03-23.

Conditions:
Hereditary cancer-predisposing syndrome. Also called: Hereditary neoplastic syndrome; Neoplastic Syndromes, Hereditary; Tumor predisposition; Hereditary Cancer Syndrome. Identifiers: Orphanet 140162, MedGen C0027672, MeSH D009386, MONDO:0015356.
Hereditary breast ovarian cancer syndrome. Also called: Hereditary breast and ovarian cancer syndrome; Hereditary breast and/or ovarian cancer syndrome; Hereditary breast and ovarian cancer; Hereditary breast and ovarian cancer syndrome (HBOC); Breast and ovarian cancer; BRCA1- and BRCA2-Associated Hereditary Breast and Ovarian Cancer. Identifiers: Orphanet 145, MedGen C0677776, MeSH D061325, MONDO:0003582. Disease mechanism: loss of function.

Submissions (3):

University of Washington Department of Laboratory Medicine, University of Washington
Classification: Likely benign for Hereditary cancer-predisposing syndrome. Last evaluated: 2023-03-23. Review status: criteria provided, single submitter. Criteria: Dines et al. (Genet Med. 2020). Collection method: curation. Allele origin: germline.
Comment: Missense variant in a coldspot region where missense variants are very unlikely to be pathogenic (PMID:31911673).

BRCA2 exon 11 coldspot. Reclassification based on statistical prior probability.

Mendelics
Classification: Uncertain significance. Last evaluated: 2022-05-04. Review status: criteria provided, single submitter. Criteria: Mendelics Assertion Criteria 2019. Collection method: clinical testing. Allele origin: germline.

Labcorp Genetics (formerly Invitae), Labcorp
Classification: Uncertain significance for Hereditary breast ovarian cancer syndrome. Last evaluated: 2020-10-27. Review status: criteria provided, single submitter. Criteria: Invitae Variant Classification Sherloc (09022015). Collection method: clinical testing. Allele origin: germline.
Comment: In summary, the available evidence is currently insufficient to determine the role of this variant in disease. Therefore, it has been classified as a Variant of Uncertain Significance. Advanced modeling of protein sequence and biophysical properties (such as structural, functional, and spatial information, amino acid conservation, physicochemical variation, residue mobility, and thermodynamic stability) performed at Invitae indicates that this missense variant is not expected to disrupt BRCA2 protein function. This variant has not been reported in the literature in individuals with BRCA2-related conditions. This variant is not present in population databases (ExAC no frequency). This sequence change replaces asparagine with tyrosine at codon 1657 of the BRCA2 protein (p.Asn1657Tyr). The asparagine residue is moderately conserved and there is a large physicochemical difference between asparagine and tyrosine.

NM_000059.4(BRCA2):c.4969A>T (p.Asn1657Tyr)

Gene: BRCA2 (BRCA2 DNA repair associated; plus strand). Cytogenetic location: 13q13.1.
Variant type: single nucleotide variant.
Coding change: c.4969A>T on transcript NM_000059.4 (MANE Select); coding-DNA position 4969, A replaced by T.
Protein change: p.Asn1657Tyr; replaces asparagine 1657 with tyrosine.
Molecular consequence: missense variant.
Genome position (GRCh38, 1-based): chr13:32,339,324, A>T. VCF-style: chr13-32339324-A-T. GRCh37 (hg19) VCF-style: chr13-32913461-A-T.
Other names: short protein forms N1657Y.
Identifiers: ClinVar variation 1034815 (VCV001034815.11), dbSNP rs587781599, ClinGen allele CA387783818.